The following is an entry in ClinVar:

NM_006267.5(RANBP2):c.1786C>T (p.Arg596Ter)

Gene: RANBP2 (RAN binding protein 2; plus strand). Cytogenetic location: 2q13.
Variant type: single nucleotide variant.
Coding change: c.1786C>T on transcript NM_006267.5 (MANE Select); coding-DNA position 1786, C replaced by T.
Protein change: p.Arg596Ter; replaces arginine 596 with a stop codon.
Molecular consequence: nonsense.
Genome position (GRCh38, 1-based): chr2:108,753,028, C>T. VCF-style: chr2-108753028-C-T. GRCh37 (hg19) VCF-style: chr2-109369484-C-T.
Other names: c.1786C>T, p.Arg596Ter (NM_001415871.1, NM_001415873.1); c.1783C>T, p.Arg595Ter (NM_001415872.1); short protein forms R595*, R596*.
Identifiers: ClinVar variation 2580116 (VCV002580116.1), dbSNP rs2467520894, ClinGen allele CA348051272.

ClinVar aggregate classification (germline): Uncertain significance (1 of 4 stars; one submission).

Submission:

GeneDx
Classification: Uncertain significance. Last evaluated: 2023-03-14. Review status: criteria provided, single submitter. Criteria: GeneDx Variant Classification Process June 2021. Collection method: clinical testing. Allele origin: germline. Affected: yes.
Comment: Nonsense variant predicted to result in protein truncation or nonsense mediated decay in a gene or region of a gene for which loss of function is not a well-established mechanism of disease; Not observed at significant frequency in large population cohorts (gnomAD); Has not been previously published as pathogenic or benign to our knowledge